The following is an entry in ClinVar:

ClinVar aggregate classification (germline): Uncertain significance. Review status: criteria provided, multiple submitters, no conflicts (2 of 4 stars). 2 submissions from 2 submitters: Uncertain significance (2). Last evaluated 2024-08-08.

Conditions:
Juvenile polyposis syndrome (JPS). Identifiers: Orphanet 2929, MedGen C0345893, MONDO:0017380, OMIM 174900.

Submissions (2):

Labcorp Genetics (formerly Invitae), Labcorp
Classification: Uncertain significance for Juvenile polyposis syndrome. Last evaluated: 2024-08-08. Review status: criteria provided, single submitter. Criteria: Invitae Variant Classification Sherloc (09022015). Collection method: clinical testing. Allele origin: germline.
Comment: This sequence change replaces proline, which is neutral and non-polar, with leucine, which is neutral and non-polar, at codon 313 of the SMAD4 protein (p.Pro313Leu). This variant is not present in population databases (gnomAD no frequency). This variant has not been reported in the literature in individuals affected with SMAD4-related conditions. Advanced modeling of protein sequence and biophysical properties (such as structural, functional, and spatial information, amino acid conservation, physicochemical variation, residue mobility, and thermodynamic stability) has been performed at Invitae for this missense variant, however the output from this modeling did not meet the statistical confidence thresholds required to predict the impact of this variant on SMAD4 protein function. In summary, the available evidence is currently insufficient to determine the role of this variant in disease. Therefore, it has been classified as a Variant of Uncertain Significance.

GeneDx
Classification: Uncertain significance. Last evaluated: 2023-11-01. Review status: criteria provided, single submitter. Criteria: GeneDx Variant Classification Process June 2021. Collection method: clinical testing. Allele origin: germline. Affected: yes.
Comment: Has not been previously published as pathogenic or benign to our knowledge; Not observed at significant frequency in large population cohorts (gnomAD); In silico analysis supports that this missense variant does not alter protein structure/function; This variant is associated with the following publications: (PMID: 10636916)

NM_005359.6(SMAD4):c.938C>T (p.Pro313Leu)

Gene: SMAD4 (SMAD family member 4; plus strand). Cytogenetic location: 18q21.2.
Variant type: single nucleotide variant.
Coding change: c.938C>T on transcript NM_005359.6 (MANE Select); coding-DNA position 938, C replaced by T.
Protein change: p.Pro313Leu; replaces proline 313 with leucine.
Molecular consequence: missense variant. On other transcripts: non-coding transcript variant (2).
Genome position (GRCh38, 1-based): chr18:51,059,899, C>T. VCF-style: chr18-51059899-C-T. GRCh37 (hg19) VCF-style: chr18-48586269-C-T.
Other names: c.938C>T, p.Pro313Leu (NM_001407041.1, NM_001407042.1, NM_001407043.1); short protein forms P313L.
Identifiers: ClinVar variation 3363719 (VCV003363719.3).
Genomic context (GRCh38, chr18:51,059,899, plus strand): 5'-ATGGAATTTTTGTTGTCTTTTCTTTAGGGCCTGTTCACAATGAGCTTGCATTCCAGCCTC[C>T]CATTTCCAATCATCCTGGTAAGTGTATTTCAAAATTGATTTCCTGTATTTAGATTGATTT-3'
Protein context (NP_005350.1, residues 303-323): PVHNELAFQP[Pro313Leu]ISNHPAPEYW